The following is an entry in ClinVar:

NM_001243279.3(ACSF3):c.1495A>C (p.Ile499Leu)

Gene: ACSF3 (acyl-CoA synthetase family member 3; plus strand). Cytogenetic location: 16q24.3.
Variant type: single nucleotide variant.
Coding change: c.1495A>C on transcript NM_001243279.3 (MANE Select); coding-DNA position 1495, A replaced by C.
Protein change: p.Ile499Leu; replaces isoleucine 499 with leucine.
Molecular consequence: missense variant. On other transcripts: non-coding transcript variant (4).
Genome position (GRCh38, 1-based): chr16:89,145,395, A>C. VCF-style: chr16-89145395-A-C. GRCh37 (hg19) VCF-style: chr16-89211803-A-C.
Other names: c.1495A>C, p.Ile499Leu (NM_001127214.4, NM_174917.5); c.700A>C, p.Ile234Leu (NM_001284316.2); short protein forms I499L, I234L.
Identifiers: ClinVar variation 1486004 (VCV001486004.3), dbSNP rs1272786593, ClinGen allele CA397148252.

ClinVar aggregate classification (germline): Uncertain significance (1 of 4 stars; one submission).

Conditions:
Combined malonic and methylmalonic acidemia. Identifiers: Orphanet 289504, MedGen C3280314, MONDO:0013661, OMIM 614265.

Allele frequency attached by ClinVar (database versions not stated): gnomAD 0.00001.
gnomAD v4.1: 2 of 1,613,988 alleles (0.00012%); highest among the groups gnomAD compares: African/African-American, 0.0027%; no homozygotes.

Submission:

Labcorp Genetics (formerly Invitae), Labcorp
Classification: Uncertain significance for Combined malonic and methylmalonic acidemia. Last evaluated: 2022-08-09. Review status: criteria provided, single submitter. Criteria: Invitae Variant Classification Sherloc (09022015). Collection method: clinical testing. Allele origin: germline.
Comment: This sequence change replaces isoleucine, which is neutral and non-polar, with leucine, which is neutral and non-polar, at codon 499 of the ACSF3 protein (p.Ile499Leu). This variant is not present in population databases (gnomAD no frequency). This variant has not been reported in the literature in individuals affected with ACSF3-related conditions. ClinVar contains an entry for this variant (Variation ID: 1486004). Algorithms developed to predict the effect of missense changes on protein structure and function are either unavailable or do not agree on the potential impact of this missense change (SIFT: "Deleterious"; PolyPhen-2: "Possibly Damaging"; Align-GVGD: "Class C0"). In summary, the available evidence is currently insufficient to determine the role of this variant in disease. Therefore, it has been classified as a Variant of Uncertain Significance.